The following is an entry in ClinVar:

NM_198129.4(LAMA3):c.1901A>G (p.His634Arg)

Gene: LAMA3 (laminin subunit alpha 3; plus strand). Cytogenetic location: 18q11.2.
Variant type: single nucleotide variant.
Coding change: c.1901A>G on transcript NM_198129.4 (MANE Select); coding-DNA position 1901, A replaced by G.
Protein change: p.His634Arg; replaces histidine 634 with arginine.
Molecular consequence: missense variant.
Genome position (GRCh38, 1-based): chr18:23,815,200, A>G. VCF-style: chr18-23815200-A-G. GRCh37 (hg19) VCF-style: chr18-21395164-A-G.
Other names: c.1901A>G, p.His634Arg (NM_001127717.4); short protein forms H634R.
Identifiers: ClinVar variation 2076943 (VCV002076943.30), dbSNP rs186443546, ClinGen allele CA8914783.

ClinVar aggregate classification (germline): Conflicting classifications of pathogenicity. Review status: criteria provided, conflicting classifications (1 of 4 stars). 4 submissions from 4 submitters: Uncertain significance (1); Benign (1); Likely benign (2). Last evaluated 2024-11-06.

Conditions:
Inborn genetic diseases. Identifiers: MedGen C0950123, MeSH D030342.

Allele frequency attached by ClinVar (database versions not stated): gnomAD exomes 0.00021; ExAC 0.00074; gnomAD 0.00205; ESP Exome Variant Server 0.00227; 1000 Genomes Project 30x 0.00234; 1000 Genomes Project 0.00240; TOPMed 0.00257.
gnomAD v4.1: 647 of 1,614,196 alleles (0.04%); highest among the groups gnomAD compares: African/African-American, 0.75%; 3 homozygotes.

Submissions (4):

Blueprint Genetics
Classification: Likely benign. Last evaluated: 2024-11-06. Review status: criteria provided, single submitter. Criteria: ACMG Guidelines, 2015. Collection method: clinical testing. Allele origin: germline.

Labcorp Genetics (formerly Invitae), Labcorp
Classification: Benign. Last evaluated: 2022-11-29. Review status: criteria provided, single submitter. Criteria: Invitae Variant Classification Sherloc (09022015). Collection method: clinical testing. Allele origin: germline.

CeGaT Center for Human Genetics Tuebingen
Classification: Likely benign. Last evaluated: 2022-09-01. Review status: criteria provided, single submitter. Criteria: CeGaT Center For Human Genetics Tuebingen Variant Classification Criteria Version 2. Collection method: clinical testing. Allele origin: germline. Affected: yes. Observed: 1 variant allele.
Comment: LAMA3: BP4, BS2

Ambry Genetics
Classification: Uncertain significance for Inborn genetic diseases. Last evaluated: 2021-09-01. Review status: criteria provided, single submitter. Criteria: Ambry Variant Classification Scheme 2023. Collection method: clinical testing. Allele origin: germline.